The following is an entry in ClinVar:

ClinVar aggregate classification (germline): Benign/Likely benign. Review status: criteria provided, multiple submitters, no conflicts (2 of 4 stars). 9 submissions from 8 submitters: Benign (1); Likely benign (6). 2 of the submissions do not count toward it. Last evaluated 2026-01-27.

Conditions:
Aortic valve disease 1 (AOVD1). Identifiers: MedGen C3887892, MONDO:0024523, OMIM 109730.
Adams-Oliver syndrome 5 (AOS5). Identifiers: Orphanet 974, MedGen C4014970, MONDO:0014459, OMIM 616028.

Allele frequency attached by ClinVar (database versions not stated): gnomAD 0.00007 and 0.00011; ESP Exome Variant Server 0.00008; TOPMed 0.00008; gnomAD exomes 0.00010 and 0.00014; 1000 Genomes Project 30x 0.00016; ExAC 0.00017; 1000 Genomes Project 0.00020.
gnomAD v4.1: 166 of 1,609,846 alleles (0.01%); highest among the groups gnomAD compares: Middle Eastern, 0.36%; no homozygotes.

Submissions (9):

Labcorp Genetics (formerly Invitae), Labcorp
Classification: Likely benign for Adams-Oliver syndrome 5. Last evaluated: 2026-01-27. Review status: criteria provided, single submitter. Criteria: Invitae Variant Classification Sherloc (09022015). Collection method: clinical testing. Allele origin: germline.

Women's Health and Genetics/Laboratory Corporation of America, LabCorp
Classification: Benign. Last evaluated: 2025-09-30. Review status: criteria provided, single submitter. Criteria: LabCorp Variant Classification Summary - May 2015. Collection method: clinical testing. Allele origin: germline.

Genomic Medicine Center of Excellence, King Faisal Specialist Hospital and Research Centre
Classification: Likely benign. Last evaluated: 2025-08-18. Review status: criteria provided, single submitter. Criteria: ACMG Guidelines, 2015. Collection method: clinical testing. Allele origin: germline.

Blueprint Genetics
Classification: Likely benign. Last evaluated: 2024-10-11. Review status: criteria provided, single submitter. Criteria: ACMG Guidelines, 2015. Collection method: clinical testing. Allele origin: germline.

Genome-Nilou Lab
Classification: Likely benign for Adams-Oliver syndrome 5. Last evaluated: 2022-03-15. Review status: criteria provided, single submitter. Criteria: ACMG Guidelines, 2015. Collection method: clinical testing. Allele origin: germline. Affected: no.

Genome-Nilou Lab
Classification: Likely benign for Aortic valve disease 1. Last evaluated: 2022-03-15. Review status: criteria provided, single submitter. Criteria: ACMG Guidelines, 2015. Collection method: clinical testing. Allele origin: germline. Affected: no.

GeneDx
Classification: Likely benign. Last evaluated: 2017-06-08. Review status: criteria provided, single submitter. Criteria: GeneDx Variant Classification (06012015). Collection method: clinical testing. Allele origin: germline. Affected: yes.
Comment: This variant is considered likely benign or benign based on one or more of the following criteria: it is a conservative change, it occurs at a poorly conserved position in the protein, it is predicted to be benign by multiple in silico algorithms, and/or has population frequency not consistent with disease.

Genome Diagnostics Laboratory, Amsterdam University Medical Center
Classification: Likely benign. Review status: no assertion criteria provided. Collection method: clinical testing. Allele origin: germline. Affected: yes. Study: VKGL Data-share Consensus. Not counted in ClinVar's aggregate classification.

Genome Diagnostics Laboratory, University Medical Center Utrecht
Classification: Likely benign. Review status: no assertion criteria provided. Collection method: clinical testing. Allele origin: germline. Affected: yes. Study: VKGL Data-share Consensus. Not counted in ClinVar's aggregate classification.

NM_017617.5(NOTCH1):c.2014+16C>T

Gene: NOTCH1 (notch receptor 1; minus strand). Cytogenetic location: 9q34.3.
Variant type: single nucleotide variant.
Coding change: c.2014+16C>T on transcript NM_017617.5 (MANE Select); 16 bases into the intron after coding-DNA position 2014, C replaced by T.
Molecular consequence: intron variant.
Genome position (GRCh38, 1-based): chr9:136,515,274, G>A on the plus strand (C>T on the coding strand, the complement: NOTCH1 is on the minus strand). VCF-style: chr9-136515274-G-A. GRCh37 (hg19) VCF-style: chr9-139409726-G-A.
Other names: c.2014+16C>T (LRG_1122t1).
Identifiers: ClinVar variation 517930 (VCV000517930.15), dbSNP rs199814619, ClinGen allele CA5341535.